The following is an entry in ClinVar:

NM_005228.5(EGFR):c.52C>T (p.Leu18Phe)

Gene: EGFR (epidermal growth factor receptor; plus strand). Cytogenetic location: 7p11.2.
Variant type: single nucleotide variant.
Coding change: c.52C>T on transcript NM_005228.5 (MANE Select); coding-DNA position 52, C replaced by T.
Protein change: p.Leu18Phe; replaces leucine 18 with phenylalanine.
Molecular consequence: missense variant.
Genome position (GRCh38, 1-based): chr7:55,019,329, C>T. VCF-style: chr7-55019329-C-T. GRCh37 (hg19) VCF-style: chr7-55087022-C-T.
Other names: c.52C>T, p.Leu18Phe (NM_001346897.2, NM_001346898.2, NM_001346899.2 and 4 more transcripts); short protein forms L18F.
Identifiers: ClinVar variation 840352 (VCV000840352.10), dbSNP rs754527029, ClinGen allele CA4265109.

ClinVar aggregate classification (germline): Conflicting classifications of pathogenicity. Review status: criteria provided, conflicting classifications (1 of 4 stars). 2 submissions from 2 submitters: Uncertain significance (1); Likely benign (1). Last evaluated 2025-07-15.

Conditions:
Hereditary cancer-predisposing syndrome. Also called: Neoplastic Syndromes, Hereditary; Tumor predisposition; Hereditary neoplastic syndrome; Hereditary Cancer Syndrome. Identifiers: Orphanet 140162, MedGen C0027672, MeSH D009386, MONDO:0015356.
EGFR-related lung cancer (EGFR). Identifiers: MedGen CN130014.

Allele frequency attached by ClinVar (database versions not stated): gnomAD exomes below 0.00001; ExAC 0.00002.
gnomAD v4.1: 3 of 1,521,918 alleles (0.0002%); highest among the groups gnomAD compares: Admixed American, 0.0057%; no homozygotes.

Submissions (2):

Ambry Genetics
Classification: Likely benign for Hereditary cancer-predisposing syndrome. Last evaluated: 2025-07-15. Review status: criteria provided, single submitter. Criteria: Ambry Variant Classification Scheme 2023. Collection method: clinical testing. Allele origin: germline.

Labcorp Genetics (formerly Invitae), Labcorp
Classification: Uncertain significance for EGFR-related lung cancer. Last evaluated: 2025-02-23. Review status: criteria provided, single submitter. Criteria: Invitae Variant Classification Sherloc (09022015). Collection method: clinical testing. Allele origin: germline.
Comment: This sequence change replaces leucine, which is neutral and non-polar, with phenylalanine, which is neutral and non-polar, at codon 18 of the EGFR protein (p.Leu18Phe). The frequency data for this variant in the population databases is considered unreliable, as metrics indicate poor data quality at this position in the gnomAD database. This variant has not been reported in the literature in individuals affected with EGFR-related conditions. ClinVar contains an entry for this variant (Variation ID: 840352). An algorithm developed to predict the effect of missense changes on protein structure and function (PolyPhen-2) suggests that this variant is likely to be tolerated. In summary, the available evidence is currently insufficient to determine the role of this variant in disease. Therefore, it has been classified as a Variant of Uncertain Significance.